The following is an entry in ClinVar:

NM_170784.3(MKKS):c.837del (p.Gly280fs)

Gene: MKKS (MKKS centrosomal shuttling protein; minus strand). Cytogenetic location: 20p12.2.
Variant type: Deletion.
Coding change: c.837del on transcript NM_170784.3 (MANE Select); coding-DNA position 837, one base deleted (A; older notation c.837delA).
Protein change: p.Gly280fs; shifts the reading frame from glycine 280.
Molecular consequence: frameshift variant.
Genome position (GRCh38, 1-based): chr20:10,412,678, T deleted on the plus strand (A on the coding strand, the reverse complement: MKKS is on the minus strand). VCF-style (leftmost placement, unchanged base first): chr20-10412677-CT-C. GRCh37 (hg19) VCF-style: chr20-10393325-CT-C.
Other names: c.837delA (NM_018848.3); c.837del (NM_170784.2); c.837del, p.Gly280fs (NM_018848.3); short protein forms G280fs.
Identifiers: ClinVar variation 636041 (VCV000636041.12), dbSNP rs776004321, ClinGen allele CA9763617.

ClinVar aggregate classification (germline): Pathogenic/Likely pathogenic. Review status: criteria provided, multiple submitters, no conflicts (2 of 4 stars). 6 submissions from 6 submitters: Pathogenic (4); Likely pathogenic (1). 1 of the submissions does not count toward it. Last evaluated 2025-02-05.

Conditions:
Retinal dystrophy. Also called: Inherited retinal dystrophy. Identifiers: Orphanet 71862, MedGen C0854723, MeSH D058499, MONDO:0019118, HP:0000556.
Bardet-Biedl syndrome 6 (BBS6). Identifiers: Orphanet 110, MedGen C1858054, MONDO:0011523, OMIM 605231.
MKKS-related disorder. Also called: MKKS-related condition; MKKS-related disorders.
Bardet-Biedl syndrome (BBS). Identifiers: Orphanet 110, MedGen C0752166, MONDO:0015229.
McKusick-Kaufman syndrome (MKKS). Also called: HYDROMETROCOLPOS SYNDROME; HYDROMETROCOLPOS, POSTAXIAL POLYDACTYLY, AND CONGENITAL HEART MALFORMATION. Identifiers: Orphanet 2473, MedGen C0948368, MONDO:0009367, OMIM 236700.

Allele frequency attached by ClinVar (database versions not stated): TOPMed below 0.00001; ExAC 0.00001; gnomAD 0.00001; gnomAD exomes 0.00001 and 0.00002; ESP Exome Variant Server 0.00008.

Submissions (6):

SingHealth Duke-NUS Institute of Precision Medicine
Classification: Likely pathogenic for Bardet-Biedl syndrome 6. Last evaluated: 2025-02-05. Review status: criteria provided, single submitter. Criteria: PRISM ACMG Classification Criteria. Collection method: clinical testing. Allele origin: germline. Affected: yes.
Comment: Variant is predicted to cause nonsense-mediated decay in a gene where LOF is a known cause of pathogenicity (PVS1). Homozygous allele count in gnomAD genomes or exomes are less than 0 (PM2).

PreventionGenetics, part of Exact Sciences
Classification: Pathogenic for MKKS-related condition. Last evaluated: 2023-06-01. Review status: criteria provided, single submitter. Criteria: ACMG Guidelines, 2015. Collection method: clinical testing. Allele origin: germline.
Comment: The MKKS c.837delA variant is predicted to result in a frameshift and premature protein termination (p.Leu279Leufs*5). This variant has been reported in the heterozygous state in an individual with Bardet-Biedl syndrome; However no additional variants were identified to explain autosomal recessive disease (Table 1, Hjortshøj et al 2010. PubMed ID: 20120035). This variant is reported in 0.0035% of alleles in individuals of European (Non-Finnish) descent in gnomAD. Frameshift variants in MKKS are expected to be pathogenic. This variant is interpreted as pathogenic.

Baylor Genetics
Classification: Pathogenic for Bardet-Biedl syndrome 6. Last evaluated: 2022-12-08. Review status: criteria provided, single submitter. Criteria: ACMG Guidelines, 2015. Collection method: clinical testing. Allele origin: unknown.

Labcorp Genetics (formerly Invitae), Labcorp
Classification: Pathogenic for McKusick-Kaufman syndrome; Bardet-Biedl syndrome. Last evaluated: 2020-04-09. Review status: criteria provided, single submitter. Criteria: Invitae Variant Classification Sherloc (09022015). Collection method: clinical testing. Allele origin: germline.
Comment: This sequence change creates a premature translational stop signal (p.Gly280Glufs*4) in the MKKS gene. It is expected to result in an absent or disrupted protein product. This variant is present in population databases (rs776004321, ExAC 0.001%). This variant has been observed in individual(s) with Bardet-Biedl syndrome (PMID: 30718709). ClinVar contains an entry for this variant (Variation ID: 636041). Loss-of-function variants in MKKS are known to be pathogenic (PMID: 12107442, 20177705). For these reasons, this variant has been classified as Pathogenic.

Institute of Human Genetics, Univ. Regensburg, Univ. Regensburg
Classification: Pathogenic for Retinal dystrophy. Last evaluated: 2011-01-01. Review status: criteria provided, single submitter. Criteria: ACMG Guidelines, 2015. Collection method: clinical testing. Allele origin: germline. Affected: yes.

Department of Clinical Genetics, Copenhagen University Hospital, Rigshospitalet
Classification: Likely pathogenic for Bardet-Biedl syndrome. Last evaluated: 2018-04-01. Review status: no assertion criteria provided. Collection method: research. Allele origin: unknown. Affected: yes. Study: VeluxRD. Not counted in ClinVar's aggregate classification.

Literature cited by the submitters: PubMed 30718709 (cited by Labcorp Genetics (formerly Invitae), Labcorp and Department of Clinical Genetics, Copenhagen University Hospital, Rigshospitalet); PubMed 12107442 (cited by Labcorp Genetics (formerly Invitae), Labcorp); PubMed 20177705 (cited by Labcorp Genetics (formerly Invitae), Labcorp); PubMed 20120035 (cited by Institute of Human Genetics, Univ. Regensburg, Univ. Regensburg); PubMed 3196484 (cited by Institute of Human Genetics, Univ. Regensburg, Univ. Regensburg).